The following is an entry in ClinVar:

ClinVar aggregate classification (germline): Uncertain significance (1 of 4 stars; one submission).

Conditions:
Hereditary cancer-predisposing syndrome. Also called: Neoplastic Syndromes, Hereditary; Tumor predisposition; Hereditary neoplastic syndrome; Hereditary Cancer Syndrome. Identifiers: Orphanet 140162, MedGen C0027672, MeSH D009386, MONDO:0015356.

Allele frequency attached by ClinVar (database versions not stated): gnomAD exomes below 0.00001.

Submission:

Ambry Genetics
Classification: Uncertain significance for Hereditary cancer-predisposing syndrome. Last evaluated: 2023-02-25. Review status: criteria provided, single submitter. Criteria: Ambry Variant Classification Scheme 2023. Collection method: clinical testing. Allele origin: germline.
Comment: The p.I900L variant (also known as c.2698A>C), located in coding exon 16 of the DICER1 gene, results from an A to C substitution at nucleotide position 2698. The isoleucine at codon 900 is replaced by leucine, an amino acid with highly similar properties. This amino acid position is conserved. In addition, this alteration is predicted to be tolerated by in silico analysis. Since supporting evidence is limited at this time, the clinical significance of this alteration remains unclear.

NM_177438.3(DICER1):c.2698A>C (p.Ile900Leu)

Gene: DICER1 (dicer 1, ribonuclease III; minus strand). Cytogenetic location: 14q32.13.
Variant type: single nucleotide variant.
Coding change: c.2698A>C on transcript NM_177438.3 (MANE Select); coding-DNA position 2698, A replaced by C.
Protein change: p.Ile900Leu; replaces isoleucine 900 with leucine.
Molecular consequence: missense variant. On other transcripts: non-coding transcript variant (6).
Genome position (GRCh38, 1-based): chr14:95,107,714, T>G on the plus strand (A>C on the coding strand, the complement: DICER1 is on the minus strand). VCF-style: chr14-95107714-T-G. GRCh37 (hg19) VCF-style: chr14-95574051-T-G.
Other names: c.2698A>C, p.Ile900Leu (NM_001195573.1, NM_001271282.3, NM_001291628.2 and 13 more transcripts); c.2416A>C, p.Ile806Leu (NM_001395686.1); c.2293A>C, p.Ile765Leu (NM_001395687.1, NM_001395688.1, NM_001395689.1 and 2 more transcripts); c.2131A>C, p.Ile711Leu (NM_001395691.1); c.1015A>C, p.Ile339Leu (NM_001395697.1); short protein forms I339L, I711L, I806L, I900L, I765L.
Identifiers: ClinVar variation 2451737 (VCV002451737.2), dbSNP rs1302387713, ClinGen allele CA390879636.